The following is an entry in ClinVar:

NM_004281.4(BAG3):c.136A>T (p.Thr46Ser)

Gene: BAG3 (BAG cochaperone 3; plus strand). Cytogenetic location: 10q26.11.
Variant type: single nucleotide variant.
Coding change: c.136A>T on transcript NM_004281.4 (MANE Select); coding-DNA position 136, A replaced by T.
Protein change: p.Thr46Ser; replaces threonine 46 with serine.
Molecular consequence: missense variant.
Genome position (GRCh38, 1-based): chr10:119,651,811, A>T. VCF-style: chr10-119651811-A-T. GRCh37 (hg19) VCF-style: chr10-121411323-A-T.
Other names: c.136A>T (NM_004281.3); short protein forms T46S.
Identifiers: ClinVar variation 1500777 (VCV001500777.9), dbSNP rs771633629, ClinGen allele CA5716226.
Genomic context (GRCh38, chr10:119,651,811, plus strand): 5'-TGGGAGATCAAGATCGACCCGCAGACCGGCTGGCCCTTCTTCGTGGACCACAACAGCCGC[A>T]CCACTACGTGGAACGACCCGCGCGTGCCCTCTGAGGGCCCCAAGGTGAGCCGGGCCCGCG-3'
Protein context (NP_004272.2, residues 36-56): WPFFVDHNSR[Thr46Ser]TTWNDPRVPS

ClinVar aggregate classification (germline): Uncertain significance. Review status: criteria provided, multiple submitters, no conflicts (2 of 4 stars). 2 submissions from 2 submitters: Uncertain significance (2). Last evaluated 2025-12-24.

Conditions:
Myofibrillar myopathy 6. Identifiers: Orphanet 199340, MedGen C2751831, MONDO:0013061, OMIM 612954.
Dilated cardiomyopathy 1HH (CMD1HH). Identifiers: Orphanet 154, MedGen C3151293, MONDO:0013479, OMIM 613881.
Cardiovascular phenotype. Identifiers: MedGen CN230736.

Allele frequency attached by ClinVar (database versions not stated): ExAC 0.00001; gnomAD exomes below 0.00001.
gnomAD v4.1: 1 of 1,596,086 alleles (0.000063%); highest among the groups gnomAD compares: Non-Finnish European, 0.000085%; no homozygotes.

Submissions (2):

Ambry Genetics
Classification: Uncertain significance for Cardiovascular phenotype. Last evaluated: 2025-12-24. Review status: criteria provided, single submitter. Criteria: Ambry Variant Classification Scheme 2023. Collection method: clinical testing. Allele origin: germline.
Comment: The p.T46S variant (also known as c.136A>T), located in coding exon 1 of the BAG3 gene, results from an A to T substitution at nucleotide position 136. The threonine at codon 46 is replaced by serine, an amino acid with similar properties. This amino acid position is conserved. In addition, the in silico prediction for this alteration is inconclusive. Based on the available evidence, the clinical significance of this variant remains unclear.

Labcorp Genetics (formerly Invitae), Labcorp
Classification: Uncertain significance for Dilated cardiomyopathy 1HH; Myofibrillar myopathy 6. Last evaluated: 2024-04-16. Review status: criteria provided, single submitter. Criteria: Invitae Variant Classification Sherloc (09022015). Collection method: clinical testing. Allele origin: germline.
Comment: This sequence change replaces threonine, which is neutral and polar, with serine, which is neutral and polar, at codon 46 of the BAG3 protein (p.Thr46Ser). This variant is present in population databases (rs771633629, gnomAD 0.001%). This variant has not been reported in the literature in individuals affected with BAG3-related conditions. ClinVar contains an entry for this variant (Variation ID: 1500777). An algorithm developed to predict the effect of missense changes on protein structure and function (PolyPhen-2) suggests that this variant is likely to be disruptive. In summary, the available evidence is currently insufficient to determine the role of this variant in disease. Therefore, it has been classified as a Variant of Uncertain Significance.